The following is an entry in ClinVar:

ClinVar aggregate classification (germline): Uncertain significance (1 of 4 stars; one submission).

Conditions:
Early-infantile DEE. Also called: Ohtahara syndrome; Early infantile epileptic encephalopathy with suppression bursts; Early infantile epileptic encephalopathy. Identifiers: Orphanet 1934, MedGen C0393706, MONDO:0800491.

Allele frequency attached by ClinVar (database versions not stated): gnomAD 0.00001; TOPMed 0.00001.
gnomAD v4.1: 3 of 1,613,816 alleles (0.00019%); highest among the groups gnomAD compares: African/African-American, 0.004%; no homozygotes.

Submission:

Labcorp Genetics (formerly Invitae), Labcorp
Classification: Uncertain significance for Early-infantile DEE. Last evaluated: 2024-12-09. Review status: criteria provided, single submitter. Criteria: Invitae Variant Classification Sherloc (09022015). Collection method: clinical testing. Allele origin: germline.
Comment: This sequence change replaces cysteine, which is neutral and slightly polar, with glycine, which is neutral and non-polar, at codon 750 of the SCN1A protein (p.Cys750Gly). This variant is present in population databases (no rsID available, gnomAD 0.007%). This variant has not been reported in the literature in individuals affected with SCN1A-related conditions. ClinVar contains an entry for this variant (Variation ID: 2166072). Invitae Evidence Modeling of protein sequence and biophysical properties (such as structural, functional, and spatial information, amino acid conservation, physicochemical variation, residue mobility, and thermodynamic stability) indicates that this missense variant is expected to disrupt SCN1A protein function with a positive predictive value of 95%. In summary, the available evidence is currently insufficient to determine the role of this variant in disease. Therefore, it has been classified as a Variant of Uncertain Significance.

NM_001165963.4(SCN1A):c.2248T>G (p.Cys750Gly)

Gene: SCN1A (sodium voltage-gated channel alpha subunit 1; minus strand). Cytogenetic location: 2q24.3.
Variant type: single nucleotide variant.
Coding change: c.2248T>G on transcript NM_001165963.4 (MANE Select); coding-DNA position 2248, T replaced by G.
Protein change: p.Cys750Gly; replaces cysteine 750 with glycine.
Molecular consequence: missense variant. On other transcripts: 5 prime UTR variant (1), non-coding transcript variant (1).
Genome position (GRCh38, 1-based): chr2:166,041,398, A>C on the plus strand (T>G on the coding strand, the complement: SCN1A is on the minus strand). VCF-style: chr2-166041398-A-C. GRCh37 (hg19) VCF-style: chr2-166897908-A-C.
Other names: c.2164T>G, p.Cys722Gly (NM_001165964.3, NM_001353957.2, NM_001353958.2); c.2248T>G, p.Cys750Gly (NM_001202435.3, NM_001353948.2); c.2215T>G, p.Cys739Gly (NM_001353949.2, NM_001353950.2, NM_001353951.2 and 2 more transcripts); c.2212T>G, p.Cys738Gly (NM_001353954.2, NM_001353955.2); c.2161T>G, p.Cys721Gly (NM_001353960.2); c.-211T>G (NM_001353961.2); short protein forms C722G, C739G, C750G, C721G, C738G.
Identifiers: ClinVar variation 2166072 (VCV002166072.4), dbSNP rs1412626408, ClinGen allele CA349064897.